The following is an entry in ClinVar:

ClinVar aggregate classification (germline): Pathogenic/Likely pathogenic. Review status: criteria provided, multiple submitters, no conflicts (2 of 4 stars). 6 submissions from 6 submitters: Pathogenic (2); Likely pathogenic (3). 1 of the submissions does not count toward it. Last evaluated 2025-08-05.

Conditions:
CFTR-related disorder (CFTR-RD). Also called: CFTR-related condition; CFTR-related disorders. Identifiers: MedGen C5924204, MONDO:7770004.
Hereditary pancreatitis (PCTT). Also called: PRSS1-Related Hereditary Pancreatitis; Hereditary chronic pancreatitis. Identifiers: Orphanet 676, MedGen C0238339, MONDO:0008185, OMIM 167800.
Cystic fibrosis (CF). Also called: MUCOVISCIDOSIS. Identifiers: Orphanet 586, MedGen C0010674, MONDO:0009061, OMIM 219700. Disease mechanism: loss of function.

Submissions (7):

Natera, Inc.
Classification: Likely pathogenic for CFTR-related disorders. Last evaluated: 2025-08-05. Review status: criteria provided, single submitter. Criteria: Natera Variant Classification Schema (03/2026). Collection method: clinical testing. Allele origin: germline.
Comment: The c.1392G>T variant in CFTR is a missense variant predicted to cause substitution of lysine to asparagine at amino acid 464. This variant is rare in the general population with a frequency below the threshold expected for the associated phenotype(s). This variant has been observed in one or more individuals affected with the associated recessive disease, as either homozygous or compound heterozygous with a second variant (PMID: 23261175). Functional studies show that this variant may disrupt protein function (PMID: 28784578, 25403292). Computational prediction algorithms indicate this variant is likely to affect gene or protein function. Given the available evidence, this variant is classified as Likely Pathogenic.

Sema4
Classification: Likely pathogenic for Hereditary pancreatitis. Last evaluated: 2021-06-11. Review status: criteria provided, single submitter. Criteria: Sema4 Curation Guidelines. Collection method: curation. Allele origin: germline.
Comment: The CFTR c.1392G>T (p.K464N) variant has been reported in individuals with Cystic Fibrosis (PMID: 23261175, 25403292, 28603918, 28736296). Functional studies demonstrated the variant to alter splicing and protein function (PMID: 25403292, 28784578). This variant was observed in 37/5096 chromosomes in the African population, with no homozygotes, according to the Genome Aggregation Database. However, these observations did not pass quality controls filters, therefore they may be false positives (PMID: 32461654). Based on the current evidence available, this variant is interpreted as a variant of likely pathogenic.

Centre for Mendelian Genomics, University Medical Centre Ljubljana
Classification: Pathogenic for Hereditary pancreatitis. Last evaluated: 2019-10-03. Review status: criteria provided, single submitter. Criteria: ACMG Guidelines, 2015. Collection method: clinical testing. Allele origin: unknown. Affected: yes.
Comment: This variant was classified as: Pathogenic. The following ACMG criteria were applied in classifying this variant: PS1,PS3,PM2,PP3.

CFTR-France
Classification: Pathogenic for cystic fibrosis. Last evaluated: 2015-07-03. Review status: criteria provided, single submitter. Criteria: Claustres M et al. (Hum Mutat 2017). Collection method: curation. Allele origin: germline. Affected: yes.

Arcensus
Classification: Likely pathogenic for Cystic fibrosis. Last evaluated: 2013-02-01. Review status: criteria provided, single submitter. Criteria: ACMG Guidelines, 2015. Collection method: clinical testing. Allele origin: germline. Affected: yes.

Department of Pathology and Laboratory Medicine, Sinai Health System
Classification: Uncertain significance. Review status: no assertion criteria provided. Collection method: clinical testing. Allele origin: unknown. Affected: yes. Study: The Canadian Open Genetics Repository (COGR). Not counted in ClinVar's aggregate classification.

Dr. Peter K. Rogan Lab, Western University
No classification provided (evidence only). Condition: Hepatocellular carcinoma. Review status: no classification provided. Collection method: in vitro. Allele origin: not applicable. Functional consequence: retained intron. Not counted in ClinVar's aggregate classification.

Literature cited by the submitters: PubMed 23261175 (cited by Natera, Inc. and Sema4); PubMed 28784578 (cited by Natera, Inc. and Sema4); PubMed 25403292 (cited by Natera, Inc. and Sema4); PubMed 28603918 (cited by Sema4); PubMed 28736296 (cited by Sema4).

NM_000492.4(CFTR):c.1392G>T (p.Lys464Asn)

Genes: CFTR (CF transmembrane conductance regulator; plus strand), CFTR-AS1 (CFTR antisense RNA 1; minus strand). Cytogenetic location: 7q31.2.
Variant type: single nucleotide variant.
Coding change: c.1392G>T on transcript NM_000492.4 (MANE Select); coding-DNA position 1392, G replaced by T.
Protein change: p.Lys464Asn; replaces lysine 464 with asparagine.
Molecular consequence: missense variant.
Genome position (GRCh38, 1-based): chr7:117,548,823, G>T. VCF-style: chr7-117548823-G-T. GRCh37 (hg19) VCF-style: chr7-117188877-G-T.
Other names: NC_000007.13:g.117188877G>T; short protein forms K464N.
Identifiers: ClinVar variation 53240 (VCV000053240.24), dbSNP rs397508198, ClinGen allele CA326465.
Genomic context (GRCh38, chr7:117,548,823, plus strand): 5'-TAATTTCAAGATAGAAAGAGGACAGTTGTTGGCGGTTGCTGGATCCACTGGAGCAGGCAA[G>T]GTAGTTCTTTTGTTCTTCACTATTAAGAACTTAATTTGGTGTCCATGTCTCTTTTTTTTT-3'
Protein context (NP_000483.3, residues 454-474): LAVAGSTGAG[Lys464Asn]TSLLMVIMGE